The following is an entry in ClinVar:

ClinVar aggregate classification (germline): Pathogenic. Review status: criteria provided, multiple submitters, no conflicts (2 of 4 stars). 2 submissions from 2 submitters: Pathogenic (2). Last evaluated 2025-06-06.

Conditions:
Neurofibromatosis, type 1 (NF1). Also called: Peripheral type neurofibromatosis; VON RECKLINGHAUSEN DISEASE; NEUROFIBROMATOSIS, TYPE I, SOMATIC; Neurofibromatosis, type I. Identifiers: Orphanet 636, MedGen C0027831, MONDO:0018975, OMIM 162200. Disease mechanism: loss of function.

Submissions (2):

Quest Diagnostics Nichols Institute San Juan Capistrano
Classification: Pathogenic. Last evaluated: 2025-06-06. Review status: criteria provided, single submitter. Criteria: Quest Diagnostics criteria. Collection method: clinical testing. Allele origin: unknown.
Comment: The NF1 c.7893del (p.Val2632Serfs*26) variant alters the translational reading frame of the NF1 mRNA and causes the premature termination of NF1 protein synthesis. This variant has not been reported in individuals with NF1-related conditions in the published literature. This variant has not been reported in large, multi-ethnic general populations (Genome Aggregation Database). Based on the available information, this variant is classified as pathogenic.

Labcorp Genetics (formerly Invitae), Labcorp
Classification: Pathogenic for Neurofibromatosis, type 1. Last evaluated: 2022-07-31. Review status: criteria provided, single submitter. Criteria: Invitae Variant Classification Sherloc (09022015). Collection method: clinical testing. Allele origin: germline.
Comment: This sequence change creates a premature translational stop signal (p.Val2632Serfs*26) in the NF1 gene. It is expected to result in an absent or disrupted protein product. Loss-of-function variants in NF1 are known to be pathogenic (PMID: 10712197, 23913538). This variant is not present in population databases (gnomAD no frequency). This variant has not been reported in the literature in individuals affected with NF1-related conditions. For these reasons, this variant has been classified as Pathogenic.

Literature cited by the submitters: PubMed 10712197 (cited by Labcorp Genetics (formerly Invitae), Labcorp); PubMed 23913538 (cited by Labcorp Genetics (formerly Invitae), Labcorp).

NM_001042492.3(NF1):c.7956del (p.Val2653fs)

Gene: NF1 (neurofibromin 1; plus strand). Cytogenetic location: 17q11.2.
Variant type: Deletion.
Coding change: c.7956del on transcript NM_001042492.3 (MANE Select); coding-DNA position 7956, one base deleted (A; older notation c.7956delA).
Protein change: p.Val2653fs; shifts the reading frame from valine 2653.
Molecular consequence: frameshift variant.
Genome position (GRCh38, 1-based): chr17:31,357,355, A deleted; the last of 3 consecutive A bases (chr17:31,357,353-31,357,355); deleting any one gives the same sequence. VCF-style (leftmost placement, unchanged base first): chr17-31357352-CA-C. GRCh37 (hg19) VCF-style: chr17-29684370-CA-C.
Other names: c.7893delA, p.Val2632Serfs (NM_000267.4); short protein forms V2632fs, V2653fs.
Identifiers: ClinVar variation 2138005 (VCV002138005.5), dbSNP rs1555536765, ClinGen allele CA645572288.
Genomic context (GRCh38, chr17:31,357,352, plus strand): 5'-AGATGAGTTTGATCAACGAATTCTTTATGAATACTTAGCAGAGGCCAGTGTTGTGTTTCC[CA>C]AAGTCTTTCCTGTTGTGTAAGTATCTCCTTTTGATTTTAATTCACCTTCGTGCCTGTCTT-3'